The following is an entry in ClinVar:

ClinVar aggregate classification (germline): Conflicting classifications of pathogenicity. Review status: criteria provided, conflicting classifications (1 of 4 stars). 11 submissions from 11 submitters: Uncertain significance (5); Likely benign (5). 1 of the submissions does not count toward it. Last evaluated 2026-08-25.

Conditions:
OTOF-related disorder. Also called: OTOF-related condition.
Autosomal recessive nonsyndromic hearing loss 9. Also called: NEUROSENSORY NONSYNDROMIC RECESSIVE DEAFNESS 9; OTOF-Related Hearing Loss; AUDITORY NEUROPATHY, AUTOSOMAL RECESSIVE, 1, TEMPERATURE-SENSITIVE; Deafness, autosomal recessive 9. Identifiers: Orphanet 90636, MedGen C1832828, MONDO:0010986, OMIM 601071.

Allele frequency attached by ClinVar (database versions not stated): ESP Exome Variant Server 0.00170; ExAC 0.00178; gnomAD exomes 0.00209 and 0.00109; 1000 Genomes Project 0.00240; 1000 Genomes Project 30x 0.00250; gnomAD 0.00122 and 0.00126; TOPMed 0.00144.
gnomAD v4.1: 3,192 of 1,596,440 alleles (0.2%); highest among the groups gnomAD compares: Non-Finnish European, 0.25%; 8 homozygotes.

Submissions (11):

PreventionGenetics, part of Exact Sciences
Classification: Uncertain significance for OTOF-related condition. Last evaluated: 2026-08-25. Review status: criteria provided, single submitter. Criteria: ACMG Guidelines, 2015. Collection method: clinical testing. Allele origin: germline.
Comment: The OTOF c.2381G>A variant is predicted to result in the amino acid substitution p.Arg794His. This variant was reported in the heterozygous state in the absence of a second OTOF variant in three siblings with severe or profound hearing loss (Varga et al. 2006. PubMed ID: 16371502). This variant is reported in 0.25% of alleles in individuals of European (Non-Finnish) descent, including 8 homozygotes in gnomAD v4 based on genome build hg38, which is not suggestive of causative variant. Although we suspect that this variant may be benign, at this time, the clinical significance of this variant is uncertain due to the absence of conclusive functional and genetic evidence.

Labcorp Genetics (formerly Invitae), Labcorp
Classification: Likely benign. Last evaluated: 2026-02-01. Review status: criteria provided, single submitter. Criteria: Invitae Variant Classification Sherloc (09022015). Collection method: clinical testing. Allele origin: germline.

GeneDx
Classification: Uncertain significance. Last evaluated: 2026-01-07. Review status: criteria provided, single submitter. Criteria: GeneDx Variant Classification Process June 2021. Collection method: clinical testing. Allele origin: germline. Affected: yes.
Comment: In silico analysis supports that this missense variant has a deleterious effect on protein structure/function; This variant is associated with the following publications: (PMID: 30245029, 23208854, 22906306, 20301429, 12525542, 16371502)

Blueprint Genetics
Classification: Uncertain significance. Last evaluated: 2024-11-23. Review status: criteria provided, single submitter. Criteria: ACMG Guidelines, 2015. Collection method: clinical testing. Allele origin: germline.

CeGaT Center for Human Genetics Tuebingen
Classification: Uncertain significance. Last evaluated: 2024-04-01. Review status: criteria provided, single submitter. Criteria: CeGaT Center For Human Genetics Tuebingen Variant Classification Criteria Version 2. Collection method: clinical testing. Allele origin: germline. Affected: yes. Observed: 3 variant alleles.
Comment: OTOF: PP3, BS1:Supporting

Women's Health and Genetics/Laboratory Corporation of America, LabCorp
Classification: Likely benign. Last evaluated: 2022-07-08. Review status: criteria provided, single submitter. Criteria: LabCorp Variant Classification Summary - May 2015. Collection method: clinical testing. Allele origin: germline.
Comment: Variant summary: OTOF c.2381G>A (p.Arg794His) results in a non-conservative amino acid change in the encoded protein sequence. Four of five in-silico tools predict a damaging effect of the variant on protein function. The variant allele was found at a frequency of 0.0011 in 220574 control chromosomes (gnomAD), predominantly at a frequency of 0.002 within the Non-Finnish European subpopulation in the gnomAD database. The observed variant frequency within Non-Finnish European control individuals in the gnomAD database is approximately 2-fold of the estimated maximal expected allele frequency for a pathogenic variant in OTOF causing Nonsyndromic Hearing Loss And Deafness, Type 9 (0.0011), suggesting that the variant is a benign polymorphism found primarily in populations of Non-Finnish European origin. c.2381G>A has been found in the heterozygous state (with no second OTOF variant reported) in individuals affected with Nonsyndromic Hearing Loss And Deafness (e.g. Varga_2006, Schrauwen_2013). These reports do not provide unequivocal conclusions about association of the variant with Nonsyndromic Hearing Loss And Deafness, Type 9. To our knowledge, no experimental evidence demonstrating an impact on protein function has been reported. Six submitters have provided clinical-significance assessments for this variant to ClinVar after 2014 and classified the variant as likely benign (n=4) or VUS (n=2). Based on the evidence outlined above, the variant was classified as likely benign.

Athena Diagnostics
Classification: Likely benign. Last evaluated: 2020-08-06. Review status: criteria provided, single submitter. Criteria: Athena Diagnostics Criteria. Collection method: clinical testing. Allele origin: unknown.

Mendelics
Classification: Likely benign for Autosomal recessive nonsyndromic hearing loss 9. Last evaluated: 2019-05-28. Review status: criteria provided, single submitter. Criteria: Mendelics Assertion Criteria 2017. Collection method: clinical testing. Allele origin: unknown.

Illumina Laboratory Services, Illumina
Classification: Uncertain significance for Autosomal recessive nonsyndromic hearing loss 9. Last evaluated: 2017-04-27. Review status: criteria provided, single submitter. Criteria: ICSL Variant Classification Criteria 13 December 2019. Collection method: clinical testing. Allele origin: germline.
Comment: This variant was observed as part of a predisposition screen in an ostensibly healthy population. A literature search was performed for the gene, cDNA change, and amino acid change (where applicable). Publications were found based on this search. However, the evidence from the literature, in combination with allele frequency data from public databases where available, was not sufficient to rule this variant in or out of causing disease. Therefore, this variant is classified as a variant of unknown significance.

Laboratory for Molecular Medicine, Mass General Brigham Personalized Medicine
Classification: Likely benign. Last evaluated: 2015-08-06. Review status: criteria provided, single submitter. Criteria: LMM Criteria. Collection method: clinical testing. Allele origin: germline. Observed: 7 variant alleles.
Comment: p.Arg794His in exon 20 of OTOF: This variant is not expected to have clinical si gnificance because it has been identified in 0.2% (71/26210) of European chromos omes by the Exome Aggregation Consortium (ExAC; dbSNP rs80356592).

GeneReviews
No classification provided. Condition: Autosomal recessive nonsyndromic hearing loss 9. Review status: no classification provided. Collection method: literature only. Allele origin: unknown. Not counted in ClinVar's aggregate classification.

Literature cited by the submitters: PubMed 30245029 (cited by Women's Health and Genetics/Laboratory Corporation of America, LabCorp and Athena Diagnostics); PubMed 23208854 (cited by 3 submitters); PubMed 16371502 (cited by 4 submitters); PubMed 20301429 (cited by Athena Diagnostics and GeneReviews); PubMed 22906306 (cited by Illumina Laboratory Services, Illumina); PubMed 12525542 (cited by GeneReviews); NCBI Bookshelf NBK1251 (cited by GeneReviews).

NM_194248.3(OTOF):c.2381G>A (p.Arg794His)

Gene: OTOF (otoferlin; minus strand). Cytogenetic location: 2p23.3.
Variant type: single nucleotide variant.
Coding change: c.2381G>A on transcript NM_194248.3 (MANE Select); coding-DNA position 2381, G replaced by A.
Protein change: p.Arg794His; replaces arginine 794 with histidine.
Molecular consequence: missense variant.
Genome position (GRCh38, 1-based): chr2:26,477,441, C>T on the plus strand (G>A on the coding strand, the complement: OTOF is on the minus strand). VCF-style: chr2-26477441-C-T. GRCh37 (hg19) VCF-style: chr2-26700309-C-T.
Other names: c.311G>A, p.Arg104His (NM_194322.3); c.2381G>A, p.Arg794His (NM_001287489.2); c.140G>A, p.Arg47His (NM_004802.4, NM_194323.3); short protein forms R794H, R104H, R47H.
Identifiers: ClinVar variation 21835 (VCV000021835.61), dbSNP rs80356592, ClinGen allele CA142799.